The following is an entry in ClinVar:

NM_001164508.2(NEB):c.8190T>A (p.Asp2730Glu)

Gene: NEB (nebulin; minus strand). Cytogenetic location: 2q23.3.
Variant type: single nucleotide variant.
Coding change: c.8190T>A on transcript NM_001164508.2 (MANE Select); coding-DNA position 8190, T replaced by A.
Protein change: p.Asp2730Glu; replaces aspartic acid 2730 with glutamic acid.
Molecular consequence: missense variant.
Genome position (GRCh38, 1-based): chr2:151,642,840, A>T on the plus strand (T>A on the coding strand, the complement: NEB is on the minus strand). VCF-style: chr2-151642840-A-T. GRCh37 (hg19) VCF-style: chr2-152499354-A-T.
Other names: c.8190T>A, p.Asp2730Glu (NM_001164507.2, NM_001271208.2, NM_004543.5); short protein forms D2730E.
Identifiers: ClinVar variation 2803477 (VCV002803477.3), dbSNP rs2098897267, ClinGen allele CA348812937.

ClinVar aggregate classification (germline): Uncertain significance (1 of 4 stars; one submission).

Conditions:
Nemaline myopathy 2 (NEM2). Also called: Nemaline myopathy 2, autosomal recessive. Identifiers: MedGen C1850569, MONDO:0009725, OMIM 256030.

Allele frequency attached by ClinVar (database versions not stated): gnomAD 0.00001.
gnomAD v4.1: 1 of 1,612,304 alleles (0.000062%); highest among the groups gnomAD compares: African/African-American, 0.0013%; no homozygotes.

Submission:

Labcorp Genetics (formerly Invitae), Labcorp
Classification: Uncertain significance for Nemaline myopathy 2. Last evaluated: 2023-06-01. Review status: criteria provided, single submitter. Criteria: Invitae Variant Classification Sherloc (09022015). Collection method: clinical testing. Allele origin: germline.
Comment: This variant has not been reported in the literature in individuals affected with NEB-related conditions. This variant is not present in population databases (gnomAD no frequency). This sequence change replaces aspartic acid, which is acidic and polar, with glutamic acid, which is acidic and polar, at codon 2730 of the NEB protein (p.Asp2730Glu). In summary, the available evidence is currently insufficient to determine the role of this variant in disease. Therefore, it has been classified as a Variant of Uncertain Significance. Experimental studies and prediction algorithms are not available or were not evaluated, and the functional significance of this variant is currently unknown.